The following is an entry in ClinVar:

ClinVar aggregate classification (germline): Pathogenic/Likely pathogenic. Review status: criteria provided, multiple submitters, no conflicts (2 of 4 stars). 2 submissions from 2 submitters: Pathogenic (1); Likely pathogenic (1). Last evaluated 2023-04-28.

Conditions:
Familial thoracic aortic aneurysm and aortic dissection (TAAD). Also called: Thoracic aortic aneurysms and dissections. Identifiers: Orphanet 91387, MedGen C4707243, MONDO:0019625.
Marfan syndrome (MFS). Also called: FBN1-Related Marfan Syndrome; Marfan's syndrome; MARFAN SYNDROME, TYPE I; Marfan syndrome type 1; Marfan syndrome, classic. Identifiers: Orphanet 284963, Orphanet 558, MedGen C0024796, MONDO:0007947, OMIM 154700.
FBN1-related disorder. Also called: FBN1-related disorders.

Submissions (2):

PreventionGenetics, part of Exact Sciences
Classification: Likely pathogenic for FBN1-related condition. Last evaluated: 2023-04-28. Review status: criteria provided, single submitter. Criteria: ACMG Guidelines, 2015. Collection method: clinical testing. Allele origin: germline.
Comment: The FBN1 c.4688G>A variant is predicted to result in the amino acid substitution p.Cys1563Tyr. This variant has not been reported in the literature or in a large population database, indicating this variant is rare. In ClinVar database, this variant was observed in patient with Marfan syndrome / Familial thoracic aortic aneurysm and is interpreted as pathogenic. Other variants at this codon (p.Cys 1563Trp and p.Cys1563Arg) were reported in individuals with Marfan syndrome (Stheneur et al. 2009. PubMed ID: 19293843 Table S6; Groth et al. 2016. PubMed ID: 27906200 Table S4). This variant is interpreted as likely pathogenic.

Labcorp Genetics (formerly Invitae), Labcorp
Classification: Pathogenic for Marfan syndrome; Familial thoracic aortic aneurysm and aortic dissection. Last evaluated: 2019-03-13. Review status: criteria provided, single submitter. Criteria: Invitae Variant Classification Sherloc (09022015). Collection method: clinical testing. Allele origin: germline.
Comment: For these reasons, this variant has been classified as Pathogenic. This variant disrupts the p.Cys1563 amino acid residue in FBN1. Other variant(s) that disrupt this residue have been observed in individuals with FBN1-related conditions (PMID: 27906200, 19293843), which suggests that this may be a clinically significant amino acid residue. This variant affects a cysteine residue in the EGF-like, TGFBP or hybrid motif domains of FBN1. Cysteine residues are believed to be involved in intramolecular disulfide bridges and have been shown to be important for FBN1 protein structure (PMID: 16905551, 19349279). In addition, missense substitutions affecting cysteine residues within these domains are significantly overrepresented among patients with Marfan syndrome (PMID: 16571647, 17701892). This variant has been observed in an individual affected with thoracic aortic aneurysm and dissection (Invitae). This variant is not present in population databases (ExAC no frequency). This sequence change replaces cysteine with tyrosine at codon 1563 of the FBN1 protein (p.Cys1563Tyr). The cysteine residue is highly conserved and there is a large physicochemical difference between cysteine and tyrosine.

Literature cited by the submitters: PubMed 27906200 (cited by Labcorp Genetics (formerly Invitae), Labcorp); PubMed 19293843 (cited by Labcorp Genetics (formerly Invitae), Labcorp); PubMed 16905551 (cited by Labcorp Genetics (formerly Invitae), Labcorp); PubMed 19349279 (cited by Labcorp Genetics (formerly Invitae), Labcorp); PubMed 16571647 (cited by Labcorp Genetics (formerly Invitae), Labcorp); PubMed 17701892 (cited by Labcorp Genetics (formerly Invitae), Labcorp).

NM_000138.5(FBN1):c.4688G>A (p.Cys1563Tyr)

Gene: FBN1 (fibrillin 1; minus strand). Cytogenetic location: 15q21.1.
Variant type: single nucleotide variant.
Coding change: c.4688G>A on transcript NM_000138.5 (MANE Select); coding-DNA position 4688, G replaced by A.
Protein change: p.Cys1563Tyr; replaces cysteine 1563 with tyrosine.
Molecular consequence: missense variant.
Genome position (GRCh38, 1-based): chr15:48,467,997, C>T on the plus strand (G>A on the coding strand, the complement: FBN1 is on the minus strand). VCF-style: chr15-48467997-C-T. GRCh37 (hg19) VCF-style: chr15-48760194-C-T.
Other names: short protein forms C1563Y.
Identifiers: ClinVar variation 847866 (VCV000847866.10), dbSNP rs1131691871, ClinGen allele CA392352968.